The following is an entry in ClinVar:

ClinVar aggregate classification (germline): Conflicting classifications of pathogenicity. Review status: criteria provided, conflicting classifications (1 of 4 stars). 5 submissions from 5 submitters: Uncertain significance (2); Likely benign (3). Last evaluated 2026-06-12.

Conditions:
Inborn genetic diseases. Identifiers: MedGen C0950123, MeSH D030342.
Left ventricular noncompaction 8 (LVNC8). Identifiers: Orphanet 154, Orphanet 54260, MedGen C3809288, MONDO:0014152, OMIM 615373.

Allele frequency attached by ClinVar (database versions not stated): gnomAD exomes 0.00003 and 0.00007; ExAC 0.00004; 1000 Genomes Project 0.00020; gnomAD 0.00029; 1000 Genomes Project 30x 0.00031; TOPMed 0.00053.
gnomAD v4.1: 95 of 1,613,264 alleles (0.0059%); highest among the groups gnomAD compares: Admixed American, 0.077%; no homozygotes.

Submissions (5):

Women's Health and Genetics/Laboratory Corporation of America, LabCorp
Classification: Likely benign. Last evaluated: 2026-06-12. Review status: criteria provided, single submitter. Criteria: LabCorp Variant Classification Summary - May 2015. Collection method: clinical testing. Allele origin: germline.

Labcorp Genetics (formerly Invitae), Labcorp
Classification: Uncertain significance for Left ventricular noncompaction 8. Last evaluated: 2025-12-22. Review status: criteria provided, single submitter. Criteria: Invitae Variant Classification Sherloc (09022015). Collection method: clinical testing. Allele origin: germline.
Comment: This sequence change replaces arginine, which is basic and polar, with glutamine, which is neutral and polar, at codon 873 of the PRDM16 protein (p.Arg873Gln). This variant is present in population databases (rs184929979, gnomAD 0.02%). This variant has not been reported in the literature in individuals affected with PRDM16-related conditions. ClinVar contains an entry for this variant (Variation ID: 967938). An algorithm developed to predict the effect of missense changes on protein structure and function (PolyPhen-2) suggests that this variant is likely to be disruptive. In summary, the available evidence is currently insufficient to determine the role of this variant in disease. Therefore, it has been classified as a Variant of Uncertain Significance.

Ambry Genetics
Classification: Uncertain significance for Inborn genetic diseases. Last evaluated: 2025-11-03. Review status: criteria provided, single submitter. Criteria: Ambry Variant Classification Scheme 2023. Collection method: clinical testing. Allele origin: germline.

Blueprint Genetics
Classification: Likely benign. Last evaluated: 2024-11-08. Review status: criteria provided, single submitter. Criteria: ACMG Guidelines, 2015. Collection method: clinical testing. Allele origin: germline.

GeneDx
Classification: Likely benign. Last evaluated: 2020-06-05. Review status: criteria provided, single submitter. Criteria: GeneDx Variant Classification Process June 2021. Collection method: clinical testing. Allele origin: germline. Affected: yes.

NM_022114.4(PRDM16):c.2618G>A (p.Arg873Gln)

Gene: PRDM16 (PR/SET domain 16; plus strand). Cytogenetic location: 1p36.32.
Variant type: single nucleotide variant.
Coding change: c.2618G>A on transcript NM_022114.4 (MANE Select); coding-DNA position 2618, G replaced by A.
Protein change: p.Arg873Gln; replaces arginine 873 with glutamine.
Molecular consequence: missense variant.
Genome position (GRCh38, 1-based): chr1:3,414,574, G>A. VCF-style: chr1-3414574-G-A. GRCh37 (hg19) VCF-style: chr1-3331138-G-A.
Other names: c.2618G>A, p.Arg873Gln (NM_199454.3); short protein forms R873Q.
Identifiers: ClinVar variation 967938 (VCV000967938.17), dbSNP rs184929979, ClinGen allele CA544548.